The following is an entry in ClinVar:

ClinVar aggregate classification (germline): Pathogenic (1 of 4 stars; one submission).

Conditions:
Greig cephalopolysyndactyly syndrome (GCPS). Also called: GLI3-Related Greig Cephalopolysyndactyly Syndrome; POLYSYNDACTYLY WITH PECULIAR SKULL SHAPE; Greig syndrome. Identifiers: Orphanet 380, MedGen C0265306, MONDO:0008287, OMIM 175700.
Pallister-Hall syndrome (PHS). Also called: GLI3-Related Pallister-Hall Syndrome; HYPOTHALAMIC HAMARTOBLASTOMA, HYPOPITUITARISM, IMPERFORATE ANUS, AND POSTAXIAL POLYDACTYLY. Identifiers: Orphanet 672, MedGen C0265220, MONDO:0007804, OMIM 146510.

Submission:

Labcorp Genetics (formerly Invitae), Labcorp
Classification: Pathogenic for Pallister-Hall syndrome; Greig cephalopolysyndactyly syndrome. Last evaluated: 2023-09-28. Review status: criteria provided, single submitter. Criteria: Invitae Variant Classification Sherloc (09022015). Collection method: clinical testing. Allele origin: germline.
Comment: For these reasons, this variant has been classified as Pathogenic. This variant disrupts a region of the GLI3 protein in which other variant(s) (p. Thr1488Lysfs*23) have been determined to be pathogenic (PMID: 24736735). This suggests that this is a clinically significant region of the protein, and that variants that disrupt it are likely to be disease-causing. This variant has not been reported in the literature in individuals affected with GLI3-related conditions. This variant is not present in population databases (gnomAD no frequency). This sequence change creates a premature translational stop signal (p.Tyr1439Thrfs*49) in the GLI3 gene. While this is not anticipated to result in nonsense mediated decay, it is expected to disrupt the last 142 amino acid(s) of the GLI3 protein.

Literature cited by the submitters: PubMed 24736735.

NM_000168.6(GLI3):c.4315del (p.Tyr1439fs)

Gene: GLI3 (GLI family zinc finger 3; minus strand). Cytogenetic location: 7p14.1.
Variant type: Deletion.
Coding change: c.4315del on transcript NM_000168.6 (MANE Select); coding-DNA position 4315, one base deleted (T; older notation c.4315delT).
Protein change: p.Tyr1439fs; shifts the reading frame from tyrosine 1439.
Molecular consequence: frameshift variant.
Genome position (GRCh38, 1-based): chr7:41,964,758, A deleted on the plus strand (T on the coding strand, the reverse complement: GLI3 is on the minus strand); the first of 2 consecutive A bases (chr7:41,964,758-41,964,759); deleting either gives the same sequence. VCF-style (leftmost placement, unchanged base first): chr7-41964757-TA-T. GRCh37 (hg19) VCF-style: chr7-42004355-TA-T.
Other names: short protein forms Y1439fs.
Identifiers: ClinVar variation 2949515 (VCV002949515.3), dbSNP rs2484364568, ClinGen allele CA2740097344.